The following is an entry in ClinVar:

NR_003051.3(RMRP):n.-10_-9insACTACTCTGTGAAGCACTACTCTGTGAAGC

Gene: RMRP (RNA component of mitochondrial RNA processing endoribonuclease; minus strand). Cytogenetic location: 9p13.3.
Variant type: Microsatellite.
Genome position: GRCh38 VCF-style: chr9-35658027-A-AGCTTCACAGAGTAGTGCTTCACAGAGTAGT. GRCh37 (hg19) VCF-style: chr9-35658024-A-AGCTTCACAGAGTAGTGCTTCACAGAGTAGT.
Identifiers: ClinVar variation 1067265 (VCV001067265.9), dbSNP rs727502776, ClinGen allele CA587570220.
Genomic context (GRCh38, chr9:35,658,027, plus strand): 5'-AGGAACAGAGTCCTCAGTGTGTAGCCTAGGATACAGGCCTTCAGCACGAACCACGTCCTC[A>AGCTTCACAGAGTAGTGCTTCACAGAGTAGT]GCTTCACAGAGTAGTATTTTATAGCCCTAAAGAAATTGTGTTTTATGATTAGGGTGAGAA-3'

ClinVar aggregate classification (germline): Pathogenic/Likely pathogenic. Review status: criteria provided, multiple submitters, no conflicts (2 of 4 stars). 3 submissions from 3 submitters: Pathogenic (2); Likely pathogenic (1). Last evaluated 2025-11-16.

Conditions:
Metaphyseal chondrodysplasia, McKusick type (CHH). Also called: Cartilage-Hair Hypoplasia (CHH); Cartilage-hair hypoplasia. Identifiers: Orphanet 175, MedGen C0220748, MONDO:0009595, OMIM 250250.
Anauxetic dysplasia. Identifiers: Orphanet 93347, MedGen C1846796, MONDO:0011773.

Submissions (3):

Labcorp Genetics (formerly Invitae), Labcorp
Classification: Pathogenic for Anauxetic dysplasia. Last evaluated: 2025-11-16. Review status: criteria provided, single submitter. Criteria: Invitae Variant Classification Sherloc (09022015). Collection method: clinical testing. Allele origin: germline.
Comment: This variant occurs in the RMRP gene, which encodes an RNA molecule that does not result in a protein product. This variant is present in population databases (no rsID available, gnomAD 0.01%). This variant has been observed in individual(s) with cartilage-hair hypoplasia (PMID: 11207361). In at least one individual the data is consistent with being in trans (on the opposite chromosome) from a pathogenic variant. Other insertions and duplications immediately upstream of the coding sequence have been reported in individuals affected with cartilage-hair hypoplasia-anauxetic dysplasia (CHH-AD) spectrum disorders (PMID: 16244706, 11207361, 12107819). This variant is also known as two times dupACTACTCTGTGAAGC at -10 . ClinVar contains an entry for this variant (Variation ID: 1067265). Studies have shown that this variant alters RMRP gene expression (PMID: 11207361). For these reasons, this variant has been classified as Pathogenic.

Natera, Inc.
Classification: Pathogenic for Cartilage-hair hypoplasia. Last evaluated: 2025-06-02. Review status: criteria provided, single submitter. Criteria: Natera Variant Classification Schema (03/2026). Collection method: clinical testing. Allele origin: germline.
Comment: The n.-10_-9insACTACTCTGTGAAGCACTACTCTGTGAAGC variant in RMRP is an insertion affecting the RMRP promoter region between the TATA box and the transcription initiation site. Other duplications and insertions just upstream of the transcription initiation site have been reported in individuals affected with cartilage-hair hypoplasia (PMID: 11207361, 17937437). This variant is rare in the general population with a frequency below the threshold expected for the associated phenotype(s). This variant has been observed in one or more individuals affected with the associated recessive disease, as either homozygous or compound heterozygous with a second variant (PMID: 11207361, 16630949, 17015150). Given the available evidence, this variant is classified as Pathogenic.

Women's Health and Genetics/Laboratory Corporation of America, LabCorp
Classification: Likely pathogenic for Metaphyseal chondrodysplasia, McKusick type. Last evaluated: 2022-01-13. Review status: criteria provided, single submitter. Criteria: LabCorp Variant Classification Summary - May 2015. Collection method: clinical testing. Allele origin: germline.
Comment: Variant summary: RMRP n.-24_-10[3] results in a triplication of 15 nucleotides in the promoter region of this non-coding RNA. The frequency of this variant in the general population could not be determined as the technology used for large population databases (ExAC, gnomAD, ESP, 1000G) cannot detect variants of this type. To our knowledge, no occurrence of n.-24_-10[3] in individuals affected with Cartilage-Hair Hypoplasia and no experimental evidence demonstrating its impact on protein function have been reported. However, duplications in this region have been frequently found in patients with Cartilage-Hair hypoplasia, including n.-24_-10dup (HGMD database). No clinical diagnostic laboratories have submitted clinical-significance assessments for this variant to ClinVar after 2014. Based on the evidence outlined above, the variant was classified as likely pathogenic.

Literature cited by the submitters: PubMed 11207361 (cited by Labcorp Genetics (formerly Invitae), Labcorp and Natera, Inc.); PubMed 16244706 (cited by Labcorp Genetics (formerly Invitae), Labcorp); PubMed 12107819 (cited by Labcorp Genetics (formerly Invitae), Labcorp); PubMed 17937437 (cited by Natera, Inc.); PubMed 16630949 (cited by Natera, Inc.); PubMed 17015150 (cited by Natera, Inc.).